The following is an entry in ClinVar:

ClinVar aggregate classification (germline): Uncertain significance (1 of 4 stars; one submission).

Conditions:
Familial adenomatous polyposis 1 (FAP1). Also called: FAMILIAL ADENOMATOUS POLYPOSIS 1, ATTENUATED; POLYPOSIS, ADENOMATOUS INTESTINAL. Identifiers: MedGen C2713442, MONDO:0021056, OMIM 175100. Disease mechanism: loss of function.

Submission:

Labcorp Genetics (formerly Invitae), Labcorp
Classification: Uncertain significance for Familial adenomatous polyposis 1. Last evaluated: 2023-10-27. Review status: criteria provided, single submitter. Criteria: Invitae Variant Classification Sherloc (09022015). Collection method: clinical testing. Allele origin: germline.
Comment: This variant occurs in a non-coding region of the APC gene. It does not change the encoded amino acid sequence of the APC protein. This variant is not present in population databases (gnomAD no frequency). This variant has not been reported in the literature in individuals affected with APC-related conditions. Experimental studies and prediction algorithms are not available or were not evaluated, and the functional significance of this variant is currently unknown. In summary, the available evidence is currently insufficient to determine the role of this variant in disease. Therefore, it has been classified as a Variant of Uncertain Significance.

NM_001127511.3(APC):c.-103G>C

Gene: APC (APC regulator of Wnt signaling pathway; plus strand). Cytogenetic location: 5q22.2.
Variant type: single nucleotide variant.
Coding change: c.-103G>C on transcript NM_001127511.3; 103 bases upstream of the start codon, G replaced by C.
Molecular consequence: 5 prime UTR variant. On other transcripts: non-coding transcript variant (2).
Genome position (GRCh38, 1-based): chr5:112,707,615, G>C. VCF-style: chr5-112707615-G-C. GRCh37 (hg19) VCF-style: chr5-112043312-G-C.
Other names: c.-286G>C (NM_001354895.2, NM_001407447.1, NM_001407452.1 and 3 more transcripts); c.-103G>C (NM_001354897.2, NM_001354902.2, NM_001407446.1); c.-53G>C (NM_001407448.1, NM_001407450.1, NM_001407457.1 and 1 more transcripts); c.-77G>C (NM_001407453.1); c.-1321G>C (NM_001407470.1, NM_001407472.1).
Identifiers: ClinVar variation 1062507 (VCV001062507.45), dbSNP rs1580996403, ClinGen allele CA1573442546.